The following is an entry in ClinVar:

ClinVar aggregate classification (germline): Uncertain significance (1 of 4 stars; one submission).

Conditions:
CHD5-associated Neurodevelopmental disorder.

Allele frequency attached by ClinVar (database versions not stated): gnomAD exomes below 0.00001.
gnomAD v4.1: 3 of 1,614,128 alleles (0.00019%); highest among the groups gnomAD compares: South Asian, 0.0011%; no homozygotes.

Submission:

New York Genome Center
Classification: Uncertain significance for CHD5-associated Neurodevelopmental disorder. Last evaluated: 2021-07-23. Review status: criteria provided, single submitter. Criteria: NYGC Assertion Criteria 2020. Collection method: clinical testing. Allele origin: inherited. Observed: 1 heterozygote. Study: CSER-NYCKidSeq.
Comment: The inherited c.2926G>T (p.Gly976Cys) variant identified in the CHD5 gene substitutes a well conserved Glycine for Cysteine at amino acid 976/1955 (exon 19/42). This variant is absent from gnomAD(v3.1.1) suggesting it is not a common benign variant in the populations represented in that database. In silico algorithms predict this variant to be Damaging (SIFT; score:0.00) and Pathogenic (REVEL; score:0.785) to the function of the canonical transcript. This variant is absent from ClinVar and to our current knowledge has not been reported in affected individuals in the literature. The p.Gly976 residue is not within a mapped domain of CHD5 (UniProtKB:Q8TDI0). Given the lack of compelling evidence for its pathogenicity, the inherited c.2926G>T (p.Gly976Cys) variant identifiedin the CHD5 gene is reported as a Variant of Uncertain Significance.

NM_015557.3(CHD5):c.2926G>T (p.Gly976Cys)

Gene: CHD5 (chromodomain helicase DNA binding protein 5; minus strand). Cytogenetic location: 1p36.31.
Variant type: single nucleotide variant.
Coding change: c.2926G>T on transcript NM_015557.3 (MANE Select); coding-DNA position 2926, G replaced by T.
Protein change: p.Gly976Cys; replaces glycine 976 with cysteine.
Molecular consequence: missense variant.
Genome position (GRCh38, 1-based): chr1:6,134,804, C>A on the plus strand (G>T on the coding strand, the complement: CHD5 is on the minus strand). VCF-style: chr1-6134804-C-A. GRCh37 (hg19) VCF-style: chr1-6194864-C-A.
Other names: short protein forms G976C.
Identifiers: ClinVar variation 1696598 (VCV001696598.1), dbSNP rs2100851117, ClinGen allele CA338078447.